The following is an entry in ClinVar:

ClinVar aggregate classification (germline): Benign. Review status: criteria provided, multiple submitters, no conflicts (2 of 4 stars). 6 submissions from 6 submitters: Benign (6). Last evaluated 2024-11-27.

Conditions:
Quebec platelet disorder (QPD). Also called: FACTOR V QUEBEC; BLEEDING DISORDER, PLATELET-TYPE, 5. Identifiers: Orphanet 220436, MedGen C1866423, MONDO:0011136, OMIM 601709.

Allele frequency attached by ClinVar (database versions not stated): gnomAD exomes 0.52356 and 0.45262; ESP Exome Variant Server 0.53967; 1000 Genomes Project 0.36102; 1000 Genomes Project 30x 0.36618; ExAC 0.45647; gnomAD 0.49463 and 0.50640; TOPMed 0.49536.
gnomAD v4.1: 838,570 of 1,610,644 alleles (52%); highest among the groups gnomAD compares: Middle Eastern, 63%; 228,116 homozygotes.

Submissions (6):

Blueprint Genetics
Classification: Benign. Last evaluated: 2024-11-27. Review status: criteria provided, single submitter. Criteria: ACMG Guidelines, 2015. Collection method: clinical testing. Allele origin: germline.

Mayo Clinic Laboratories, Mayo Clinic
Classification: Benign. Last evaluated: 2022-09-29. Review status: criteria provided, single submitter. Criteria: ACMG Guidelines, 2015. Collection method: clinical testing. Allele origin: germline. Observed: 962 variant alleles.

Genome-Nilou Lab
Classification: Benign for Quebec platelet disorder. Last evaluated: 2021-09-05. Review status: criteria provided, single submitter. Criteria: ACMG Guidelines, 2015. Collection method: clinical testing. Allele origin: germline. Affected: no.

GeneDx
Classification: Benign. Last evaluated: 2021-06-09. Review status: criteria provided, single submitter. Criteria: GeneDx Variant Classification Process June 2021. Collection method: clinical testing. Allele origin: germline. Affected: yes.

Illumina Laboratory Services, Illumina
Classification: Benign for Quebec platelet disorder. Last evaluated: 2018-01-13. Review status: criteria provided, single submitter. Criteria: ICSL Variant Classification Criteria 13 December 2019. Collection method: clinical testing. Allele origin: germline.
Comment: This variant was observed in the ICSL laboratory as part of a predisposition screen in an ostensibly healthy population. It had not been previously curated by ICSL or reported in the Human Gene Mutation Database (HGMD: prior to June 1st, 2018), and was therefore a candidate for classification through an automated scoring system. Utilizing variant allele frequency, disease prevalence and penetrance estimates, and inheritance mode, an automated score was calculated to assess if this variant is too frequent to cause the disease. Based on the score and internal cut-off values, a variant classified as benign is not then subjected to further curation. The score for this variant resulted in a classification of benign for this disease.

Breakthrough Genomics
Classification: Benign. Review status: criteria provided, single submitter. Criteria: ACMG Guidelines, 2015. Collection method: not provided. Allele origin: germline. Inheritance: Autosomal dominant inheritance. Affected: yes.

NM_002658.6(PLAU):c.681-7C>T

Genes: C10orf55 (chromosome 10 putative open reading frame 55; minus strand), PLAU (plasminogen activator, urokinase; plus strand), LOC126860960 (BRD4-independent group 4 enhancer GRCh37_chr10:75672789-75673988; plus strand). Cytogenetic location: 10q22.2.
Variant type: single nucleotide variant.
Coding change: c.681-7C>T on transcript NM_002658.6 (MANE Select); 7 bases into the intron before coding-DNA position 681, C replaced by T.
Molecular consequence: intron variant.
Genome position (GRCh38, 1-based): chr10:73,913,973, C>T. VCF-style: chr10-73913973-C-T. GRCh37 (hg19) VCF-style: chr10-75673731-C-T.
Other names: p.?; c.630-7C>T (NM_001145031.3); c.423-7C>T (NM_001319191.2); c.681-7C>T (NM_002658.5).
Identifiers: ClinVar variation 300752 (VCV000300752.11), dbSNP rs2227566, ClinGen allele CA5562506.